The following is an entry in ClinVar:

NM_000051.4(ATM):c.5732_5748del (p.Ala1911fs)

Gene: ATM (ATM serine/threonine kinase; plus strand). Cytogenetic location: 11q22.3.
Variant type: Deletion.
Coding change: c.5732_5748del on transcript NM_000051.4 (MANE Select); coding-DNA positions 5732 to 5748, 17 bases deleted (CTGTTGTGGACTACATG).
Protein change: p.Ala1911fs; shifts the reading frame from alanine 1911.
Molecular consequence: frameshift variant.
Genome position (GRCh38, 1-based): chr11:108,307,954-108,307,970, CTGTTGTGGACTACATG deleted; deleting any 17 consecutive bases within chr11:108,307,952-108,307,970 gives the same sequence; the c. name uses the placement nearest the transcript's 3' end. VCF-style (leftmost placement, unchanged base first): chr11-108307951-TTGCTGTTGTGGACTACA-T. GRCh37 (hg19) VCF-style: chr11-108178678-TTGCTGTTGTGGACTACA-T.
Other names: c.5732_5748delCTGTTGTGGACTACATG (NM_000051.3); c.5732_5748del, p.Ala1911fs (NM_001351834.2); short protein forms A1911fs.
Identifiers: ClinVar variation 631332 (VCV000631332.5), dbSNP rs1565486174, ClinGen allele CA913188482.

ClinVar aggregate classification (germline): Pathogenic. Review status: criteria provided, multiple submitters, no conflicts (2 of 4 stars). 2 submissions from 2 submitters: Pathogenic (2). Last evaluated 2024-01-25.

Conditions:
Familial cancer of breast. Also called: hereditary breast carcinoma; BREAST CANCER, FAMILIAL; Hereditary breast cancer. Identifiers: Orphanet 227535, MedGen C0346153, MONDO:0016419, OMIM 114480. Disease mechanism: loss of function.
Hereditary cancer-predisposing syndrome. Also called: Tumor predisposition; Neoplastic Syndromes, Hereditary; Hereditary neoplastic syndrome; Hereditary Cancer Syndrome. Identifiers: Orphanet 140162, MedGen C0027672, MeSH D009386, MONDO:0015356.

Submissions (2):

Myriad Genetics, Inc.
Classification: Pathogenic for Familial cancer of breast. Last evaluated: 2024-01-25. Review status: criteria provided, single submitter. Criteria: Myriad Autosomal Dominant, Autosomal Recessive and X-Linked Classification Criteria (2023). Collection method: clinical testing. Allele origin: unknown.
Comment: This variant is considered pathogenic. This variant creates a frameshift predicted to result in premature protein truncation.

Color Diagnostics, LLC DBA Color Health
Classification: Pathogenic for Hereditary cancer-predisposing syndrome. Last evaluated: 2020-05-14. Review status: criteria provided, single submitter. Criteria: ACMG Guidelines, 2015. Collection method: clinical testing. Allele origin: germline.
Comment: This variant deletes 17 nucleotides in exon 38 of the ATM gene, creating a frameshift and premature translation stop signal. This variant is expected to result in an absent or non-functional protein product. To our knowledge, this variant has not been reported in individuals affected with hereditary cancer in the literature. This variant has not been identified in the general population by the Genome Aggregation Database (gnomAD). Loss of ATM function is a known mechanism of disease. Based on the available evidence, this variant is classified as Pathogenic.